The following is an entry in ClinVar:

ClinVar aggregate classification (germline): Uncertain significance (1 of 4 stars; one submission).

Conditions:
Hereditary pancreatitis (PCTT). Also called: PRSS1-Related Hereditary Pancreatitis; Hereditary chronic pancreatitis. Identifiers: Orphanet 676, MedGen C0238339, MONDO:0008185, OMIM 167800.

Submission:

Ambry Genetics
Classification: Uncertain significance for Hereditary pancreatitis. Last evaluated: 2025-03-05. Review status: criteria provided, single submitter. Criteria: Ambry Variant Classification Scheme 2023. Collection method: clinical testing. Allele origin: germline.
Comment: The p.A15P variant (also known as c.43G>C), located in coding exon 2 of the PRSS1 gene, results from a G to C substitution at nucleotide position 43. The alanine at codon 15 is replaced by proline, an amino acid with highly similar properties. This amino acid position is conserved. In addition, the in silico prediction for this alteration is inconclusive. Based on the available evidence, the clinical significance of this variant remains unclear.

NM_002769.5(PRSS1):c.43G>C (p.Ala15Pro)

Genes: PRSS1 (serine protease 1; plus strand), TRB (T cell receptor beta locus; plus strand). Cytogenetic location: 7q34.
Variant type: single nucleotide variant.
Coding change: c.43G>C on transcript NM_002769.5 (MANE Select); coding-DNA position 43, G replaced by C.
Protein change: p.Ala15Pro; replaces alanine 15 with proline.
Molecular consequence: missense variant. On other transcripts: non-coding transcript variant (2).
Genome position (GRCh38, 1-based): chr7:142,750,557, G>C. VCF-style: chr7-142750557-G-C. GRCh37 (hg19) VCF-style: chr7-142458408-G-C.
Other names: short protein forms A15P.
Identifiers: ClinVar variation 3783976 (VCV003783976.1).